The following is an entry in ClinVar:

NM_001368894.2(PAX6):c.53G>A (p.Gly18Glu)

Gene: PAX6 (paired box 6; minus strand). Cytogenetic location: 11p13.
Variant type: single nucleotide variant.
Coding change: c.53G>A on transcript NM_001368894.2 (MANE Select); coding-DNA position 53, G replaced by A.
Protein change: p.Gly18Glu; replaces glycine 18 with glutamic acid.
Molecular consequence: missense variant. On other transcripts: 5 prime UTR variant (12), non-coding transcript variant (2), intron variant (2).
Genome position (GRCh38, 1-based): chr11:31,802,792, C>T on the plus strand (G>A on the coding strand, the complement: PAX6 is on the minus strand). VCF-style: chr11-31802792-C-T. GRCh37 (hg19) VCF-style: chr11-31824340-C-T.
Other names: c.53G>A, p.Gly18Glu (NM_000280.6, NM_001127612.3, NM_001258462.3 and 30 more transcripts); c.-729G>A (NM_001310160.2, NM_001368905.2); c.-398G>A (NM_001310161.3, NM_001368900.2, NM_001368903.2 and 2 more transcripts); c.-356G>A (NM_001368899.2, NM_001368901.2, NM_001368906.2 and 1 more transcripts); c.-687G>A (NM_001368902.2); c.296G>A, p.Gly99Glu (NM_001368910.2); c.56G>A, p.Gly19Glu (NM_001368911.2); c.-267-1016G>A (NM_001368909.2, NM_001368904.2); short protein forms G18E, G19E, G99E.
Identifiers: ClinVar variation 3757928 (VCV003757928.2).

ClinVar aggregate classification (germline): Uncertain significance (1 of 4 stars; one submission).

Conditions:
Aniridia 1 (AN1). Identifiers: Orphanet 250923, MedGen C0344542, MONDO:0024507, OMIM 106210.
Irido-corneo-trabecular dysgenesis (ASGD5). Also called: ANTERIOR SEGMENT DYSGENESIS 5. Identifiers: Orphanet 708, MedGen C0344559, MONDO:0011414, OMIM 604229, HP:0000659.

Submission:

Labcorp Genetics (formerly Invitae), Labcorp
Classification: Uncertain significance for Aniridia 1; Irido-corneo-trabecular dysgenesis. Last evaluated: 2024-12-24. Review status: criteria provided, single submitter. Criteria: Invitae Variant Classification Sherloc (09022015). Collection method: clinical testing. Allele origin: germline.
Comment: This sequence change replaces glycine, which is neutral and non-polar, with glutamic acid, which is acidic and polar, at codon 18 of the PAX6 protein (p.Gly18Glu). This variant is not present in population databases (gnomAD no frequency). This missense change has been observed in individual(s) with clinical features of PAX6-related conditions and/or micropthalmia (PMID: 35716026; Internal data). Invitae Evidence Modeling of protein sequence and biophysical properties (such as structural, functional, and spatial information, amino acid conservation, physicochemical variation, residue mobility, and thermodynamic stability) indicates that this missense variant is expected to disrupt PAX6 protein function with a positive predictive value of 80%. This variant disrupts the p.Gly18 amino acid residue in PAX6. Other variant(s) that disrupt this residue have been determined to be pathogenic (PMID: 15579687, 20577777; internal data). This suggests that this residue is clinically significant, and that variants that disrupt this residue are likely to be disease-causing. In summary, the available evidence is currently insufficient to determine the role of this variant in disease. Therefore, it has been classified as a Variant of Uncertain Significance.

Literature cited by the submitters: PubMed 35716026; PubMed 15579687; PubMed 20577777.